The following is an entry in ClinVar:

ClinVar aggregate classification (germline): Likely benign. Review status: criteria provided, multiple submitters, no conflicts (2 of 4 stars). 4 submissions from 4 submitters: Likely benign (3). 1 of the submissions does not count toward it. Last evaluated 2026-03-26.

Conditions:
BCS1L-related disorder. Also called: BCS1L-related condition; BCS1L-related disorders. Identifiers: MedGen CN239240.
GRACILE syndrome (FLNMS). Also called: FELLMAN SYNDROME; FINNISH LETHAL NEONATAL METABOLIC SYNDROME. Identifiers: Orphanet 53693, MedGen C1864002, MONDO:0011308, OMIM 603358.

Allele frequency attached by ClinVar (database versions not stated): TOPMed 0.00006; gnomAD exomes 0.00007 and 0.00011; ExAC 0.00009; gnomAD 0.00011; ESP Exome Variant Server 0.00015; 1000 Genomes Project 30x 0.00016; 1000 Genomes Project 0.00020.
gnomAD v4.1: 181 of 1,614,198 alleles (0.011%); highest among the groups gnomAD compares: Non-Finnish European, 0.014%; no homozygotes.

Submissions (4):

PreventionGenetics, part of Exact Sciences
Classification: Likely benign for BCS1L-related condition. Last evaluated: 2026-03-26. Review status: criteria provided, single submitter. Criteria: ACMG Guidelines, 2015. Collection method: clinical testing. Allele origin: germline.
Comment: This variant is classified as likely benign based on ACMG/AMP sequence variant interpretation guidelines (Richards et al. 2015 PMID: 25741868, with internal and published modifications).

Labcorp Genetics (formerly Invitae), Labcorp
Classification: Likely benign. Last evaluated: 2025-12-30. Review status: criteria provided, single submitter. Criteria: Invitae Variant Classification Sherloc (09022015). Collection method: clinical testing. Allele origin: germline.

Blueprint Genetics
Classification: Likely benign. Last evaluated: 2024-06-24. Review status: criteria provided, single submitter. Criteria: ACMG Guidelines, 2015. Collection method: clinical testing. Allele origin: germline.

Natera, Inc.
Classification: Uncertain significance for GRACILE syndrome. Last evaluated: 2020-03-10. Review status: no assertion criteria provided. Collection method: clinical testing. Allele origin: germline. Not counted in ClinVar's aggregate classification.

NM_001079866.2(BCS1L):c.303T>G (p.Pro101=)

Gene: BCS1L (BCS1 ubiquinol-cytochrome c reductase complex chaperone; plus strand). Cytogenetic location: 2q35.
Variant type: single nucleotide variant.
Coding change: c.303T>G on transcript NM_001079866.2 (MANE Select); coding-DNA position 303, T replaced by G.
Protein change: p.Pro101=; no amino-acid change (proline 101 retained).
Molecular consequence: synonymous variant. On other transcripts: 5 prime UTR variant (5), non-coding transcript variant (1), intron variant (3).
Genome position (GRCh38, 1-based): chr2:218,661,290, T>G. VCF-style: chr2-218661290-T-G. GRCh37 (hg19) VCF-style: chr2-219526013-T-G.
Other names: c.303T>G, p.Pro101= (NM_001257342.2, NM_001257343.2, NM_001257344.2 and 10 more transcripts); c.-174T>G (NM_001371453.1, NM_001371454.1, NM_001371455.1 and 2 more transcripts); c.-40-116T>G (NM_001371451.1, NM_001318836.2); c.-41-469T>G (NM_001371452.1).
Identifiers: ClinVar variation 742568 (VCV000742568.14), dbSNP rs138756092, ClinGen allele CA2109638.